The following is an entry in ClinVar:

NM_021076.4(NEFH):c.471G>A (p.Val157=)

Gene: NEFH (neurofilament heavy chain; plus strand). Cytogenetic location: 22q12.2.
Variant type: single nucleotide variant.
Coding change: c.471G>A on transcript NM_021076.4 (MANE Select); coding-DNA position 471, G replaced by A.
Protein change: p.Val157=; no amino-acid change (valine 157 retained).
Molecular consequence: synonymous variant.
Genome position (GRCh38, 1-based): chr22:29,480,733, G>A. VCF-style: chr22-29480733-G-A. GRCh37 (hg19) VCF-style: chr22-29876722-G-A.
Other names: c.471G>A (NM_021076.3).
Identifiers: ClinVar variation 2900376 (VCV002900376.4), dbSNP rs779619065, ClinGen allele CA323082990.

ClinVar aggregate classification (germline): Likely benign. Review status: criteria provided, multiple submitters, no conflicts (2 of 4 stars). 2 submissions from 2 submitters: Likely benign (2). Last evaluated 2026-08-28.

Conditions:
NEFH-related disorder. Also called: NEFH-related condition.

gnomAD v4.1: 21 of 1,469,638 alleles (0.0014%); highest among the groups gnomAD compares: African/African-American, 0.01%; no homozygotes.

Submissions (2):

PreventionGenetics, part of Exact Sciences
Classification: Likely benign for NEFH-related condition. Last evaluated: 2026-08-28. Review status: criteria provided, single submitter. Criteria: ACMG Guidelines, 2015. Collection method: clinical testing. Allele origin: germline.
Comment: This variant is classified as likely benign based on ACMG/AMP sequence variant interpretation guidelines (Richards et al. 2015 PMID: 25741868, with internal and published modifications).

Labcorp Genetics (formerly Invitae), Labcorp
Classification: Likely benign. Last evaluated: 2025-10-06. Review status: criteria provided, single submitter. Criteria: Invitae Variant Classification Sherloc (09022015). Collection method: clinical testing. Allele origin: germline.